The following is an entry in ClinVar:

NM_001276345.2(TNNT2):c.808G>A (p.Glu270Lys)

Gene: TNNT2 (troponin T2, cardiac type; minus strand). Cytogenetic location: 1q32.1.
Variant type: single nucleotide variant.
Coding change: c.808G>A on transcript NM_001276345.2 (MANE Select); coding-DNA position 808, G replaced by A.
Protein change: p.Glu270Lys; replaces glutamic acid 270 with lysine.
Molecular consequence: missense variant.
Genome position (GRCh38, 1-based): chr1:201,361,281, C>T on the plus strand (G>A on the coding strand, the complement: TNNT2 is on the minus strand). VCF-style: chr1-201361281-C-T. GRCh37 (hg19) VCF-style: chr1-201330409-C-T.
Other names: c.799G>A, p.Glu267Lys (NM_000364.4); c.778G>A, p.Glu260Lys (NM_001001430.3, NM_001276347.2); c.769G>A, p.Glu257Lys (NM_001001431.3); c.760G>A, p.Glu254Lys (NM_001001432.3); c.679G>A, p.Glu227Lys (NM_001276346.2); short protein forms E260K, E267K, E227K, E254K, E257K, E270K.
Identifiers: ClinVar variation 430315 (VCV000430315.14), dbSNP rs1131691898, ClinGen allele CA090105.

ClinVar aggregate classification (germline): Uncertain significance. Review status: criteria provided, multiple submitters, no conflicts (2 of 4 stars). 6 submissions from 4 submitters: Uncertain significance (6). Last evaluated 2023-08-08.

Conditions:
Hypertrophic cardiomyopathy 2. Also called: TNNT2-Related Familial Hypertrophic Cardiomyopathy. Identifiers: MedGen C1861864, MONDO:0007266, OMIM 115195.
Dilated cardiomyopathy 1D. Identifiers: Orphanet 154, Orphanet 54260, MedGen C1832243, MONDO:0011095, OMIM 601494.
Cardiomyopathy, familial restrictive, 3. Identifiers: Orphanet 75249, MedGen C2676271, MONDO:0012900, OMIM 612422.
Primary dilated cardiomyopathy (DCM). Also called: Dilated Cardiomyopathy. Identifiers: Orphanet 217604, MedGen C0007193, MeSH D002311, MONDO:0005021, HP:0001644. Inheritance: Various modes of inheritance.

Submissions (6):

Labcorp Genetics (formerly Invitae), Labcorp
Classification: Uncertain significance for Cardiomyopathy, familial restrictive, 3; Hypertrophic cardiomyopathy 2; Dilated cardiomyopathy 1D. Last evaluated: 2023-08-08. Review status: criteria provided, single submitter. Criteria: Invitae Variant Classification Sherloc (09022015). Collection method: clinical testing. Allele origin: germline.
Comment: ClinVar contains an entry for this variant (Variation ID: 430315). This variant has not been reported in the literature in individuals affected with TNNT2-related conditions. This variant is not present in population databases (gnomAD no frequency). This sequence change replaces glutamic acid, which is acidic and polar, with lysine, which is basic and polar, at codon 260 of the TNNT2 protein (p.Glu260Lys). An algorithm developed specifically for the TNNT2 gene suggests that this missense change is likely to be deleterious (PMID: 21310275). In summary, the available evidence is currently insufficient to determine the role of this variant in disease. Therefore, it has been classified as a Variant of Uncertain Significance.

Clinical Center for Gene Diagnosis and Therapy, Department of Cardiovascular Surgery, The Second Xiangya Hospital of Central South University
Classification: Uncertain significance for Primary dilated cardiomyopathy. Last evaluated: 2023-06-01. Review status: criteria provided, single submitter. Criteria: ACMG Guidelines, 2015. Collection method: clinical testing. Allele origin: germline. Affected: yes.

Genome-Nilou Lab
Classification: Uncertain significance for Dilated cardiomyopathy 1D. Last evaluated: 2023-04-11. Review status: criteria provided, single submitter. Criteria: ACMG Guidelines, 2015. Collection method: clinical testing. Allele origin: germline. Affected: no.

Genome-Nilou Lab
Classification: Uncertain significance for Cardiomyopathy, familial restrictive, 3. Last evaluated: 2023-04-11. Review status: criteria provided, single submitter. Criteria: ACMG Guidelines, 2015. Collection method: clinical testing. Allele origin: germline. Affected: no.

Genome-Nilou Lab
Classification: Uncertain significance for Hypertrophic cardiomyopathy 2. Last evaluated: 2023-04-11. Review status: criteria provided, single submitter. Criteria: ACMG Guidelines, 2015. Collection method: clinical testing. Allele origin: germline. Affected: no.

GeneDx
Classification: Uncertain significance. Last evaluated: 2017-05-25. Review status: criteria provided, single submitter. Criteria: GeneDx Variant Classification (06012015). Collection method: clinical testing. Allele origin: germline. Affected: yes.
Comment: The E260K variant of uncertain significance in the TNNT2 gene has not been published as pathogenic or been reported as benign to our knowledge. This variant is not observed in large population cohorts (Lek et al., 2016; 1000 Genomes Consortium et al., 2015; Exome Variant Server). The E260K variant is a non-conservative amino acid substitution, which is likely to impact secondary protein structure as these residues differ in polarity, charge, size and/or other properties. This substitution occurs at a position that is conserved across species, and in silico analysis predicts this variant is probably damaging to the protein structure/function. However, this variant lacks observation in a significant number of affected individuals, segregation data, and functional evidence, which would further clarify its pathogenicity.

Literature cited by the submitters: PubMed 21310275 (cited by Labcorp Genetics (formerly Invitae), Labcorp).